The following is an entry in ClinVar:

ClinVar aggregate classification (germline): Uncertain significance (1 of 4 stars; one submission).

Conditions:
Dyskeratosis congenita. Identifiers: Orphanet 1775, MedGen C0265965, MONDO:0015780.

Submission:

Labcorp Genetics (formerly Invitae), Labcorp
Classification: Uncertain significance for Dyskeratosis congenita. Last evaluated: 2025-09-26. Review status: criteria provided, single submitter. Criteria: Invitae Variant Classification Sherloc (09022015). Collection method: clinical testing. Allele origin: germline.
Comment: This sequence change replaces serine, which is neutral and polar, with threonine, which is neutral and polar, at codon 185 of the TINF2 protein (p.Ser185Thr). This variant is not present in population databases (gnomAD no frequency). This variant has not been reported in the literature in individuals affected with TINF2-related conditions. ClinVar contains an entry for this variant (Variation ID: 1507489). An algorithm developed to predict the effect of missense changes on protein structure and function outputs the following: PolyPhen-2: "Benign". The threonine amino acid residue is found in multiple mammalian species, which suggests that this missense change does not adversely affect protein function. In summary, the available evidence is currently insufficient to determine the role of this variant in disease. Therefore, it has been classified as a Variant of Uncertain Significance.

NM_001099274.3(TINF2):c.553T>A (p.Ser185Thr)

Gene: TINF2 (TERF1 interacting nuclear factor 2; minus strand). Cytogenetic location: 14q12.
Variant type: single nucleotide variant.
Coding change: c.553T>A on transcript NM_001099274.3 (MANE Select); coding-DNA position 553, T replaced by A.
Protein change: p.Ser185Thr; replaces serine 185 with threonine.
Molecular consequence: missense variant.
Genome position (GRCh38, 1-based): chr14:24,241,071, A>T on the plus strand (T>A on the coding strand, the complement: TINF2 is on the minus strand). VCF-style: chr14-24241071-A-T. GRCh37 (hg19) VCF-style: chr14-24710277-A-T.
Other names: c.448T>A, p.Ser150Thr (NM_001363668.2); c.553T>A, p.Ser185Thr (NM_012461.3); short protein forms S185T, S150T.
Identifiers: ClinVar variation 1507489 (VCV001507489.6), dbSNP rs2139000156, ClinGen allele CA389230679.